The following is an entry in ClinVar:

NM_080732.4(EGLN2):c.922A>G (p.Ile308Val)

Genes: EGLN2 (egl-9 family hypoxia inducible factor 2; plus strand), RAB4B-EGLN2 (RAB4B-EGLN2 readthrough (NMD candidate); plus strand). Cytogenetic location: 19q13.2.
Variant type: single nucleotide variant.
Coding change: c.922A>G on transcript NM_080732.4 (MANE Select); coding-DNA position 922, A replaced by G.
Protein change: p.Ile308Val; replaces isoleucine 308 with valine.
Molecular consequence: missense variant. On other transcripts: non-coding transcript variant (1).
Genome position (GRCh38, 1-based): chr19:40,806,633, A>G. VCF-style: chr19-40806633-A-G. GRCh37 (hg19) VCF-style: chr19-41312538-A-G.
Other names: c.922A>G, p.Ile308Val (NM_053046.4); short protein forms I308V.
Identifiers: ClinVar variation 1766255 (VCV001766255.2), dbSNP rs773343502, ClinGen allele CA9452360.
Genomic context (GRCh38, chr19:40,806,633, plus strand): 5'-CCAGGCAACGGGCTCGGGTACGTAAGGCACGTTGACAATCCCCACGGCGATGGGCGCTGC[A>G]TCACCTGTATCTATTACCTGAATCAGAACTGGGACGTTAAGGTAGGGGTGAGGGTGAGGG-3'
Protein context (NP_542770.2, residues 298-318): VDNPHGDGRC[Ile308Val]TCIYYLNQNW

ClinVar aggregate classification (germline): Uncertain significance (1 of 4 stars; one submission).

Allele frequency attached by ClinVar (database versions not stated): gnomAD exomes below 0.00001; ExAC 0.00002.
gnomAD v4.1: 4 of 1,614,040 alleles (0.00025%); highest among the groups gnomAD compares: South Asian, 0.0011%; no homozygotes.

Submission:

Ambry Genetics
Classification: Uncertain significance. Last evaluated: 2022-09-26. Review status: criteria provided, single submitter. Criteria: Ambry Variant Classification Scheme 2023. Collection method: clinical testing. Allele origin: germline.
Comment: The p.I308V variant (also known as c.922A>G), located in coding exon 2 of the EGLN2 gene, results from an A to G substitution at nucleotide position 922. The isoleucine at codon 308 is replaced by valine, an amino acid with highly similar properties. This amino acid position is conserved. In addition, this alteration is predicted to be tolerated by in silico analysis. Since supporting evidence is limited at this time, the clinical significance of this alteration remains unclear.